The following is an entry in ClinVar:

NM_001377142.1(PLCB4):c.3234del (p.Lys1078fs)

Gene: PLCB4 (phospholipase C beta 4; plus strand). Cytogenetic location: 20p12.2.
Variant type: Deletion.
Coding change: c.3234del on transcript NM_001377142.1 (MANE Select); coding-DNA position 3234, one base deleted (A; older notation c.3234delA).
Protein change: p.Lys1078fs; shifts the reading frame from lysine 1078.
Molecular consequence: frameshift variant.
Genome position (GRCh38, 1-based): chr20:9,459,796, A deleted; the last of 3 consecutive A bases (chr20:9,459,794-9,459,796); deleting any one gives the same sequence. VCF-style (leftmost placement, unchanged base first): chr20-9459793-GA-G. GRCh37 (hg19) VCF-style: chr20-9440440-GA-G.
Other names: c.3198del, p.Lys1066fs (NM_000933.4, NM_001377134.2, NM_001377135.1 and 2 more transcripts); c.3234del, p.Lys1078fs (NM_001172646.2, NM_001377143.1); short protein forms K1066fs, K1078fs.
Identifiers: ClinVar variation 3239251 (VCV003239251.19), dbSNP rs2516167929.

ClinVar aggregate classification (germline): Uncertain significance (1 of 4 stars; one submission).

Submission:

CeGaT Center for Human Genetics Tuebingen
Classification: Uncertain significance. Last evaluated: 2024-05-01. Review status: criteria provided, single submitter. Criteria: CeGaT Center For Human Genetics Tuebingen Variant Classification Criteria Version 2. Collection method: clinical testing. Allele origin: germline. Affected: yes. Observed: 2 variant alleles.
Comment: PLCB4: PM2